The following is an entry in ClinVar:

NM_001184.4(ATR):c.7519G>A (p.Val2507Ile)

Gene: ATR (ATR checkpoint kinase; minus strand). Cytogenetic location: 3q23.
Variant type: single nucleotide variant.
Coding change: c.7519G>A on transcript NM_001184.4 (MANE Select); coding-DNA position 7519, G replaced by A.
Protein change: p.Val2507Ile; replaces valine 2507 with isoleucine.
Molecular consequence: missense variant.
Genome position (GRCh38, 1-based): chr3:142,457,740, C>T on the plus strand (G>A on the coding strand, the complement: ATR is on the minus strand). VCF-style: chr3-142457740-C-T. GRCh37 (hg19) VCF-style: chr3-142176582-C-T.
Other names: c.7327G>A, p.Val2443Ile (NM_001354579.2); short protein forms V2507I, V2443I.
Identifiers: ClinVar variation 1386957 (VCV001386957.8), dbSNP rs2108257718, ClinGen allele CA354795489.
Genomic context (GRCh38, chr3:142,457,740, plus strand): 5'-CCATAGGACCCATTCCATTAACCATATTATGAGTCAGGCGAAATGGCACAATTTCTGGAA[C>T]TTCAAAGGTTTCTCCCTTAGAAACAATACATTTTATTACAAACTAACAATGTTAGAATTT-3'
Protein context (NP_001175.2, residues 2497-2517): CLFNKGETFE[Val2507Ile]PEIVPFRLTH

ClinVar aggregate classification (germline): Uncertain significance (1 of 4 stars; one submission).

Allele frequency attached by ClinVar (database versions not stated): gnomAD exomes below 0.00001.
gnomAD v4.1: 1 of 1,613,942 alleles (0.000062%); highest among the groups gnomAD compares: East Asian, 0.0022%; no homozygotes.

Submission:

Labcorp Genetics (formerly Invitae), Labcorp
Classification: Uncertain significance. Last evaluated: 2023-07-26. Review status: criteria provided, single submitter. Criteria: Invitae Variant Classification Sherloc (09022015). Collection method: clinical testing. Allele origin: germline.
Comment: In summary, the available evidence is currently insufficient to determine the role of this variant in disease. Therefore, it has been classified as a Variant of Uncertain Significance. Algorithms developed to predict the effect of sequence changes on RNA splicing suggest that this variant may create or strengthen a splice site. An algorithm developed to predict the effect of missense changes on protein structure and function (PolyPhen-2) suggests that this variant is likely to be disruptive. ClinVar contains an entry for this variant (Variation ID: 1386957). This variant has not been reported in the literature in individuals affected with ATR-related conditions. This variant is not present in population databases (gnomAD no frequency). This sequence change replaces valine, which is neutral and non-polar, with isoleucine, which is neutral and non-polar, at codon 2507 of the ATR protein (p.Val2507Ile).